The following is an entry in ClinVar:

ClinVar aggregate classification (germline): Uncertain significance (1 of 4 stars; one submission).

Allele frequency attached by ClinVar (database versions not stated): TOPMed 0.00002; gnomAD 0.00003.
gnomAD v4.1: 24 of 1,614,236 alleles (0.0015%); highest among the groups gnomAD compares: African/African-American, 0.0067%; no homozygotes.

Submission:

CeGaT Center for Human Genetics Tuebingen
Classification: Uncertain significance. Last evaluated: 2022-11-01. Review status: criteria provided, single submitter. Criteria: CeGaT Center For Human Genetics Tuebingen Variant Classification Criteria Version 2. Collection method: clinical testing. Allele origin: germline. Affected: yes. Observed: 1 variant allele.
Comment: KIF1C: PM2, BP4

NM_006612.6(KIF1C):c.1850C>T (p.Pro617Leu)

Genes: KIF1C (kinesin family member 1C; plus strand), LOC126862473 (CDK7 strongly-dependent group 2 enhancer GRCh37_chr17:4923264-4924463; plus strand). Cytogenetic location: 17p13.2.
Variant type: single nucleotide variant.
Coding change: c.1850C>T on transcript NM_006612.6 (MANE Select); coding-DNA position 1850, C replaced by T.
Protein change: p.Pro617Leu; replaces proline 617 with leucine.
Molecular consequence: missense variant.
Genome position (GRCh38, 1-based): chr17:5,020,591, C>T. VCF-style: chr17-5020591-C-T. GRCh37 (hg19) VCF-style: chr17-4923886-C-T.
Other names: short protein forms P617L.
Identifiers: ClinVar variation 2647284 (VCV002647284.24), dbSNP rs1487454027, ClinGen allele CA397310323.